The following is an entry in ClinVar:

ClinVar aggregate classification (germline): Likely pathogenic. Review status: criteria provided, multiple submitters, no conflicts (2 of 4 stars). 3 submissions from 3 submitters: Likely pathogenic (3). Last evaluated 2025-12-10.
ClinVar aggregate classification (somatic clinical impact): Tier I - Strong (1 of 4 stars; one submission).

Conditions:
Ataxia-telangiectasia syndrome (AT). Also called: Ataxia-telangiectasia, complementation group D; AT, COMPLEMENTATION GROUP C; Ataxia-telangiectasia; Ataxia telangiectasia (A-T); Cerebello-oculocutaneous telangiectasia; Immunodeficiency with ataxia telangiectasia. Identifiers: Orphanet 100, MedGen C0004135, MONDO:0008840, OMIM 208900.
Hereditary cancer-predisposing syndrome. Also called: Neoplastic Syndromes, Hereditary; Hereditary neoplastic syndrome; Tumor predisposition; Hereditary Cancer Syndrome. Identifiers: Orphanet 140162, MedGen C0027672, MeSH D009386, MONDO:0015356.
Diffuse pediatric-type high-grade glioma, H3-wildtype and IDH-wildtype. Identifiers: MedGen C5669918, MONDO:0858939.

Submissions (4):

Labcorp Genetics (formerly Invitae), Labcorp
Classification: Likely pathogenic for Ataxia-telangiectasia syndrome. Last evaluated: 2025-12-10. Review status: criteria provided, single submitter. Criteria: Invitae Variant Classification Sherloc (09022015). Collection method: clinical testing. Allele origin: germline.
Comment: This sequence change affects an acceptor splice site in intron 5 of the ATM gene. It is expected to disrupt RNA splicing. Variants that disrupt the donor or acceptor splice site typically lead to a loss of protein function (PMID: 16199547), and loss-of-function variants in ATM are known to be pathogenic (PMID: 23807571, 25614872). The frequency data for this variant in the population databases is considered unreliable, as metrics indicate poor data quality at this position in the gnomAD database. This variant has not been reported in the literature in individuals affected with ATM-related conditions. ClinVar contains an entry for this variant (Variation ID: 1938925). Algorithms developed to predict the effect of sequence changes on RNA splicing suggest that this variant may disrupt the consensus splice site. In summary, the currently available evidence indicates that the variant is pathogenic, but additional data are needed to prove that conclusively. Therefore, this variant has been classified as Likely Pathogenic.

Ambry Genetics
Classification: Likely pathogenic for Hereditary cancer-predisposing syndrome. Last evaluated: 2025-04-28. Review status: criteria provided, single submitter. Criteria: Ambry Variant Classification Scheme 2023. Collection method: clinical testing. Allele origin: germline.
Comment: The c.497-2A>G intronic variant results from an A to G substitution two nucleotides upstream from coding exon 5 in the ATM gene. This nucleotide position is well conserved in available vertebrate species. In silico splice site analysis predicts that this alteration will weaken the native splice acceptor site and will result in the creation or strengthening of a novel splice acceptor site. Alterations that disrupt the canonical splice site are expected to cause aberrant splicing, resulting in an abnormal protein or a transcript that is subject to nonsense-mediated mRNA decay. Based on the majority of available evidence to date, this variant is likely to be pathogenic.

Clinical Genetics Laboratory, Skane University Hospital Lund
Classification: Likely pathogenic. Last evaluated: 2023-03-13. Review status: criteria provided, single submitter. Criteria: ACMG Guidelines, 2015. Collection method: clinical testing. Allele origin: germline. Affected: yes.

Institute for Genomic Medicine (IGM) Clinical Laboratory, Nationwide Children's Hospital
Classification: Tier I - Strong for Diffuse pediatric-type high-grade glioma, H3-wildtype and IDH-wildtype. Assertion type: diagnostic. Clinical significance: supports diagnosis. Last evaluated: 2022-11-07. Review status: criteria provided, single submitter. Criteria: AMP/ASCO/CAP Guidelines, 2017. Collection method: clinical testing. Allele origin: somatic. Affected: yes.
Comment: Variant has Tier I (strong) clinical significance as a diagnostic inclusion criterion in diffuse pediatric-type high-grade glioma, H3-wildtype and IDH-wildtype, based on the following evidence: 1) Documented in one or more cancer databases (e.g., St. Jude Pecan, COSMIC, CIViC, OncoKB). 2) Diagnostic for a specific tumor type/classification based on well-powered studies with expert-level consensus (Evidence Level B; PMIDs: 28966033, 29763623, 28912153).

Literature cited by the submitters: PubMed 16199547 (cited by Labcorp Genetics (formerly Invitae), Labcorp); PubMed 23807571 (cited by Labcorp Genetics (formerly Invitae), Labcorp); PubMed 25614872 (cited by Labcorp Genetics (formerly Invitae), Labcorp); PubMed 28966033 (cited by Institute for Genomic Medicine (IGM) Clinical Laboratory, Nationwide Children's Hospital); PubMed 29763623 (cited by Institute for Genomic Medicine (IGM) Clinical Laboratory, Nationwide Children's Hospital); PubMed 28912153 (cited by Institute for Genomic Medicine (IGM) Clinical Laboratory, Nationwide Children's Hospital).

NM_000051.4(ATM):c.497-2A>G

Gene: ATM (ATM serine/threonine kinase; plus strand). Cytogenetic location: 11q22.3.
Variant type: single nucleotide variant.
Coding change: c.497-2A>G on transcript NM_000051.4 (MANE Select); the canonical splice acceptor site of the intron before coding-DNA position 497, A replaced by G.
Molecular consequence: splice acceptor variant.
Genome position (GRCh38, 1-based): chr11:108,243,951, A>G. VCF-style: chr11-108243951-A-G. GRCh37 (hg19) VCF-style: chr11-108114678-A-G.
Other names: c.497-2A>G (NM_000051.3, NM_001351834.2).
Identifiers: ClinVar variation 1938925 (VCV001938925.8), dbSNP rs1278985870, ClinGen allele CA382527385.
Genomic context (GRCh38, chr11:108,243,951, plus strand): 5'-TAACATTTAATACATTTTGATTTTTAAAAAATCATGACTAATAATTTTTTTTTTTTTTTA[A>G]GAATTGTTCTCTGTGTACTTCAGGCTCTATCTGAAACCTTCACAAGATGTTCATAGAGTT-3'